The following is an entry in ClinVar:

ClinVar aggregate classification (germline): Pathogenic/Likely pathogenic. Review status: criteria provided, multiple submitters, no conflicts (2 of 4 stars). 3 submissions from 3 submitters: Pathogenic (2); Likely pathogenic (1). Last evaluated 2026-08-11.

Conditions:
Inborn genetic diseases. Identifiers: MedGen C0950123, MeSH D030342.
Diets-Jongmans syndrome. Also called: INTELLECTUAL DEVELOPMENTAL DISORDER WITH DISTINCTIVE FACIAL DYSMORPHISM. Identifiers: MedGen C5394263, MONDO:0030012, OMIM 618846.

Submissions (3):

Ambry Genetics
Classification: Pathogenic for Inborn genetic diseases. Last evaluated: 2026-08-11. Review status: criteria provided, single submitter. Criteria: Ambry Variant Classification Scheme 2023. Collection method: clinical testing. Allele origin: germline.
Comment: The c.3083G>A (p.R1028Q) alteration is located in exon 11 (coding exon 11) of the KDM3B gene. This alteration results from a G to A substitution at nucleotide position 3083, causing the arginine (R) at amino acid position 1028 to be replaced by a glutamine (Q). This variant was not reported in population-based cohorts in the Genome Aggregation Database (gnomAD). This variant was reported in individuals with features consistent with Diets-Jongmans syndrome; in at least one individual, it was determined to be de novo (Diets, 2019, external communication). This amino acid position is highly conserved in available vertebrate species. This missense variant is located in a region that has a low rate of benign missense variation (Lek, 2016; Firth, 2009). This alteration is predicted to be deleterious by in silico analysis. Based on the available evidence, this alteration is classified as pathogenic.

MVZ Martinsried, Medicover Genetics
Classification: Pathogenic for Diets-Jongmans syndrome. Last evaluated: 2025-12-22. Review status: criteria provided, single submitter. Criteria: ClinGen Variant Curation SOP V3.2 + Classification Guidance July2025. Collection method: clinical testing. Allele origin: de novo. Affected: yes. Observed: 1 heterozygote.

Dasa
Classification: Likely pathogenic. Last evaluated: 2024-06-05. Review status: criteria provided, single submitter. Criteria: DASA Assertion Criteria. Collection method: clinical testing. Allele origin: germline.
Comment: NM_016604.4(KDM3B):c.3083G>A (p.Arg1028Gln) is a missense variant that results in the substitution of arginine with glutamine. This variant has been reported in individuals with KDM3B-related disorders. De novo occurrence has been reported in an individual with KDM3B-related disorders. Also, this variant is rare in population databases. Computational evidence supports a deleterious effect. Based on the currently available evidence, this variant is classified as likely pathogenic.

Literature cited by the submitters: PubMed 30929739 (cited by Ambry Genetics).

NM_016604.4(KDM3B):c.3083G>A (p.Arg1028Gln)

Gene: KDM3B (lysine demethylase 3B; plus strand). Cytogenetic location: 5q31.2.
Variant type: single nucleotide variant.
Coding change: c.3083G>A on transcript NM_016604.4 (MANE Select); coding-DNA position 3083, G replaced by A.
Protein change: p.Arg1028Gln; replaces arginine 1028 with glutamine.
Molecular consequence: missense variant.
Genome position (GRCh38, 1-based): chr5:138,399,896, G>A. VCF-style: chr5-138399896-G-A. GRCh37 (hg19) VCF-style: chr5-137735585-G-A.
Other names: short protein forms R1028Q.
Identifiers: ClinVar variation 2237505 (VCV002237505.6), dbSNP rs2480236305, ClinGen allele CA361080952.